The following is an entry in ClinVar:

ClinVar aggregate classification (germline): Uncertain significance. Review status: criteria provided, multiple submitters, no conflicts (2 of 4 stars). 2 submissions from 2 submitters: Uncertain significance (2). Last evaluated 2024-12-30.

Conditions:
Inborn genetic diseases. Identifiers: MedGen C0950123, MeSH D030342.
Baller-Gerold syndrome (BGS). Also called: CRANIOSYNOSTOSIS WITH RADIAL DEFECTS. Identifiers: Orphanet 1225, MedGen C0265308, MONDO:0009039, OMIM 218600.

Allele frequency attached by ClinVar (database versions not stated): TOPMed 0.00003.
gnomAD v4.1: 3 of 1,550,410 alleles (0.00019%); highest among the groups gnomAD compares: Non-Finnish European, 0.00026%; no homozygotes.

Submissions (2):

Ambry Genetics
Classification: Uncertain significance for Inborn genetic diseases. Last evaluated: 2024-12-30. Review status: criteria provided, single submitter. Criteria: Ambry Variant Classification Scheme 2023. Collection method: clinical testing. Allele origin: germline.
Comment: The p.L691V variant (also known as c.2071C>G), located in coding exon 13 of the RECQL4 gene, results from a C to G substitution at nucleotide position 2071. The leucine at codon 691 is replaced by valine, an amino acid with highly similar properties. This amino acid position is conserved. In addition, the in silico prediction for this alteration is inconclusive. Based on the available evidence, the clinical significance of this variant remains unclear.

Labcorp Genetics (formerly Invitae), Labcorp
Classification: Uncertain significance for Baller-Gerold syndrome. Last evaluated: 2022-08-09. Review status: criteria provided, single submitter. Criteria: Invitae Variant Classification Sherloc (09022015). Collection method: clinical testing. Allele origin: germline.
Comment: This sequence change replaces leucine, which is neutral and non-polar, with valine, which is neutral and non-polar, at codon 691 of the RECQL4 protein (p.Leu691Val). This variant is not present in population databases (gnomAD no frequency). ClinVar contains an entry for this variant (Variation ID: 643646). In summary, the available evidence is currently insufficient to determine the role of this variant in disease. Therefore, it has been classified as a Variant of Uncertain Significance. This variant has not been reported in the literature in individuals affected with RECQL4-related conditions.

NM_004260.4(RECQL4):c.2071C>G (p.Leu691Val)

Gene: RECQL4 (RecQ like helicase 4; minus strand). Cytogenetic location: 8q24.3.
Variant type: single nucleotide variant.
Coding change: c.2071C>G on transcript NM_004260.4 (MANE Select); coding-DNA position 2071, C replaced by G.
Protein change: p.Leu691Val; replaces leucine 691 with valine.
Molecular consequence: missense variant.
Genome position (GRCh38, 1-based): chr8:144,513,700, G>C on the plus strand (C>G on the coding strand, the complement: RECQL4 is on the minus strand). VCF-style: chr8-144513700-G-C. GRCh37 (hg19) VCF-style: chr8-145739084-G-C.
Other names: short protein forms L691V.
Identifiers: ClinVar variation 643646 (VCV000643646.8), dbSNP rs1330868114, ClinGen allele CA372680070.